The following is an entry in ClinVar:

ClinVar aggregate classification (germline): Uncertain significance. Review status: criteria provided, multiple submitters, no conflicts (2 of 4 stars). 2 submissions from 2 submitters: Uncertain significance (2). Last evaluated 2025-02-26.

Conditions:
Congenital myopathy 22A, classic (CMYO22A). Identifiers: MedGen C5830453, MONDO:0957247, OMIM 620351.
Hyperkalemic periodic paralysis. Also called: Familial hyperkalemic periodic paralysis; Gamstorp disease. Identifiers: Orphanet 682, MedGen C0238357, MONDO:0008224, OMIM 170500, HP:0007215.

gnomAD v4.1: 11 of 1,613,840 alleles (0.00068%); highest among the groups gnomAD compares: East Asian, 0.0022%; no homozygotes.

Submissions (2):

Labcorp Genetics (formerly Invitae), Labcorp
Classification: Uncertain significance for Hyperkalemic periodic paralysis. Last evaluated: 2025-02-26. Review status: criteria provided, single submitter. Criteria: Invitae Variant Classification Sherloc (09022015). Collection method: clinical testing. Allele origin: germline.
Comment: This sequence change replaces alanine, which is neutral and non-polar, with valine, which is neutral and non-polar, at codon 265 of the SCN4A protein (p.Ala265Val). This variant is present in population databases (rs749502925, gnomAD 0.003%). This variant has not been reported in the literature in individuals affected with SCN4A-related conditions. ClinVar contains an entry for this variant (Variation ID: 3383313). Invitae Evidence Modeling of protein sequence and biophysical properties (such as structural, functional, and spatial information, amino acid conservation, physicochemical variation, residue mobility, and thermodynamic stability) indicates that this missense variant is expected to disrupt SCN4A protein function with a positive predictive value of 95%. In summary, the available evidence is currently insufficient to determine the role of this variant in disease. Therefore, it has been classified as a Variant of Uncertain Significance.

Broad Center for Mendelian Genomics, Broad Institute of MIT and Harvard
Classification: Uncertain significance for Congenital myopathy 22A, classic. Last evaluated: 2024-11-26. Review status: criteria provided, single submitter. Criteria: ACMG Guidelines, 2015. Collection method: curation. Allele origin: germline. Inheritance: Autosomal recessive inheritance. Study: GREGoR Consortium.
Comment: Trio exome analysis revealed that this variant was in trans with the other variant. The p.Ala265Val variant in SCN4A has not been previously reported in the literature in individuals with congenital myopathy and has been identified in 0.002% (1/44894) of East Asian chromosomes by the Genome Aggregation Database (gnomAD; dbSNP rs749502925). Although this variant has been seen in the general population in a heterozygous state, its frequency is low enough to be consistent with a recessive carrier frequency. Computational prediction tools and conservation analyses suggest that this variant may impact the protein, though this information is not predictive enough to determine pathogenicity. In summary, while there is some suspicion for a pathogenic role, the clinical significance of this variant is uncertain. ACMG/AMP Criteria applied: PP3_moderate, PM2_supporting (Richards 2015).

NM_000334.4(SCN4A):c.794C>T (p.Ala265Val)

Gene: SCN4A (sodium voltage-gated channel alpha subunit 4; minus strand). Cytogenetic location: 17q23.3.
Variant type: single nucleotide variant.
Coding change: c.794C>T on transcript NM_000334.4 (MANE Select); coding-DNA position 794, C replaced by T.
Protein change: p.Ala265Val; replaces alanine 265 with valine.
Molecular consequence: missense variant.
Genome position (GRCh38, 1-based): chr17:63,968,265, G>A on the plus strand (C>T on the coding strand, the complement: SCN4A is on the minus strand). VCF-style: chr17-63968265-G-A. GRCh37 (hg19) VCF-style: chr17-62045625-G-A.
Other names: NM_000334.4:c.794C>T; short protein forms A265V.
Identifiers: ClinVar variation 3383313 (VCV003383313.2).